The following is an entry in ClinVar:

ClinVar aggregate classification (germline): Likely benign. Review status: criteria provided, multiple submitters, no conflicts (2 of 4 stars). 3 submissions from 3 submitters: Likely benign (3). Last evaluated 2025-12-03.

Conditions:
3-methylglutaconic aciduria, type VIIB (MGCA7B). Also called: CLPB Deficiency; 3-methylglutaconic aciduria with cataracts, neurologic involvement and neutropenia; 3-methylglutaconic aciduria, type VII, with cataracts, neurologic involvement and neutropenia. Identifiers: Orphanet 445038, MedGen C5676893, MONDO:0014561, OMIM 616271.

Allele frequency attached by ClinVar (database versions not stated): gnomAD 0.00001; TOPMed 0.00001; gnomAD exomes 0.00007; ExAC 0.00008; 1000 Genomes Project 0.00020; 1000 Genomes Project 30x 0.00031.
gnomAD v4.1: 51 of 1,612,290 alleles (0.0032%); highest among the groups gnomAD compares: South Asian, 0.054%; no homozygotes.

Submissions (3):

Labcorp Genetics (formerly Invitae), Labcorp
Classification: Likely benign for 3-methylglutaconic aciduria, type VIIB. Last evaluated: 2025-12-03. Review status: criteria provided, single submitter. Criteria: Invitae Variant Classification Sherloc (09022015). Collection method: clinical testing. Allele origin: germline.

Blueprint Genetics
Classification: Likely benign. Last evaluated: 2023-07-03. Review status: criteria provided, single submitter. Criteria: ACMG Guidelines, 2015. Collection method: clinical testing. Allele origin: germline.

GeneDx
Classification: Likely benign. Last evaluated: 2016-11-10. Review status: criteria provided, single submitter. Criteria: GeneDx Variant Classification (06012015). Collection method: clinical testing. Allele origin: germline. Affected: yes.
Comment: This variant is considered likely benign or benign based on one or more of the following criteria: it is a conservative change, it occurs at a poorly conserved position in the protein, it is predicted to be benign by multiple in silico algorithms, and/or has population frequency not consistent with disease.

NM_001258392.3(CLPB):c.921C>T (p.Phe307=)

Gene: CLPB (ClpB family mitochondrial disaggregase; minus strand). Cytogenetic location: 11q13.4.
Variant type: single nucleotide variant.
Coding change: c.921C>T on transcript NM_001258392.3 (MANE Select); coding-DNA position 921, C replaced by T.
Protein change: p.Phe307=; no amino-acid change (phenylalanine 307 retained).
Molecular consequence: synonymous variant.
Genome position (GRCh38, 1-based): chr11:72,317,173, G>A on the plus strand (C>T on the coding strand, the complement: CLPB is on the minus strand). VCF-style: chr11-72317173-G-A. GRCh37 (hg19) VCF-style: chr11-72028217-G-A.
Other names: c.834C>T, p.Phe278= (NM_001258393.3); c.876C>T, p.Phe292= (NM_001258394.3); c.1011C>T, p.Phe337= (NM_030813.6).
Identifiers: ClinVar variation 390398 (VCV000390398.5), dbSNP rs561993207, ClinGen allele CA6171327.